The following is an entry in ClinVar:

NM_020911.2(PLXNA4):c.1883-6T>A

Gene: PLXNA4 (plexin A4; minus strand). Cytogenetic location: 7q32.3.
Variant type: single nucleotide variant.
Coding change: c.1883-6T>A on transcript NM_020911.2 (MANE Select); 6 bases into the intron before coding-DNA position 1883, T replaced by A.
Molecular consequence: intron variant.
Genome position (GRCh38, 1-based): chr7:132,226,266, A>T on the plus strand (T>A on the coding strand, the complement: PLXNA4 is on the minus strand). VCF-style: chr7-132226266-A-T. GRCh37 (hg19) VCF-style: chr7-131911025-A-T.
Other names: c.1883-6T>A (NM_001393897.1).
Identifiers: ClinVar variation 3356713 (VCV003356713.1).

ClinVar aggregate classification (germline): Likely benign (0 of 4 stars; one submission).

Conditions:
PLXNA4-related disorder. Also called: PLXNA4-related condition.

gnomAD v4.1: 21 of 1,611,124 alleles (0.0013%); highest among the groups gnomAD compares: Non-Finnish European, 0.0018%; no homozygotes.

Submission:

PreventionGenetics, part of Exact Sciences
Classification: Likely benign for PLXNA4-related condition. Last evaluated: 2023-07-07. Review status: no assertion criteria provided. Collection method: clinical testing. Allele origin: germline.
Comment: This variant is classified as likely benign based on ACMG/AMP sequence variant interpretation guidelines (Richards et al. 2015 PMID: 25741868, with internal and published modifications).